The following is an entry in ClinVar:

ClinVar aggregate classification (germline): Uncertain significance. Review status: criteria provided, multiple submitters, no conflicts (2 of 4 stars). 2 submissions from 2 submitters: Uncertain significance (2). Last evaluated 2023-11-14.

Conditions:
Inborn genetic diseases. Identifiers: MedGen C0950123, MeSH D030342.

Allele frequency attached by ClinVar (database versions not stated): ExAC 0.00001; gnomAD exomes 0.00002; gnomAD 0.00005; TOPMed 0.00005; ESP Exome Variant Server 0.00008.
gnomAD v4.1: 42 of 1,613,794 alleles (0.0026%); highest among the groups gnomAD compares: Admixed American, 0.0083%; no homozygotes.

Submissions (2):

Ambry Genetics
Classification: Uncertain significance for Inborn genetic diseases. Last evaluated: 2023-11-14. Review status: criteria provided, single submitter. Criteria: Ambry Variant Classification Scheme 2023. Collection method: clinical testing. Allele origin: germline.

Labcorp Genetics (formerly Invitae), Labcorp
Classification: Uncertain significance. Last evaluated: 2022-05-28. Review status: criteria provided, single submitter. Criteria: Invitae Variant Classification Sherloc (09022015). Collection method: clinical testing. Allele origin: germline.
Comment: This sequence change replaces threonine, which is neutral and polar, with methionine, which is neutral and non-polar, at codon 309 of the UBE3B protein (p.Thr309Met). This variant is present in population databases (rs373337503, gnomAD 0.006%). This variant has not been reported in the literature in individuals affected with UBE3B-related conditions. Algorithms developed to predict the effect of missense changes on protein structure and function are either unavailable or do not agree on the potential impact of this missense change (SIFT: "Deleterious"; PolyPhen-2: "Benign"; Align-GVGD: "Class C0"). In summary, the available evidence is currently insufficient to determine the role of this variant in disease. Therefore, it has been classified as a Variant of Uncertain Significance.

NM_130466.4(UBE3B):c.926C>T (p.Thr309Met)

Gene: UBE3B (ubiquitin protein ligase E3B; plus strand). Cytogenetic location: 12q24.11.
Variant type: single nucleotide variant.
Coding change: c.926C>T on transcript NM_130466.4 (MANE Select); coding-DNA position 926, C replaced by T.
Protein change: p.Thr309Met; replaces threonine 309 with methionine.
Molecular consequence: missense variant.
Genome position (GRCh38, 1-based): chr12:109,498,339, C>T. VCF-style: chr12-109498339-C-T. GRCh37 (hg19) VCF-style: chr12-109936144-C-T.
Other names: c.926C>T, p.Thr309Met (NM_183415.3); c.926C>T (NM_130466.2); short protein forms T309M.
Identifiers: ClinVar variation 2163202 (VCV002163202.2), dbSNP rs373337503, ClinGen allele CA6777737.